The following is an entry in ClinVar:

ClinVar aggregate classification (germline): Uncertain significance (1 of 4 stars; one submission).

Submission:

Labcorp Genetics (formerly Invitae), Labcorp
Classification: Uncertain significance. Last evaluated: 2022-05-15. Review status: criteria provided, single submitter. Criteria: Invitae Variant Classification Sherloc (09022015). Collection method: clinical testing. Allele origin: germline.
Comment: This sequence change replaces glutamic acid, which is acidic and polar, with lysine, which is basic and polar, at codon 631 of the FNIP1 protein (p.Glu631Lys). This variant is not present in population databases (gnomAD no frequency). This variant has not been reported in the literature in individuals affected with FNIP1-related conditions. Algorithms developed to predict the effect of missense changes on protein structure and function (SIFT, PolyPhen-2, Align-GVGD) all suggest that this variant is likely to be tolerated. In summary, the available evidence is currently insufficient to determine the role of this variant in disease. Therefore, it has been classified as a Variant of Uncertain Significance.

NM_133372.3(FNIP1):c.1891G>A (p.Glu631Lys)

Gene: FNIP1 (folliculin interacting protein 1; minus strand). Cytogenetic location: 5q31.1.
Variant type: single nucleotide variant.
Coding change: c.1891G>A on transcript NM_133372.3 (MANE Select); coding-DNA position 1891, G replaced by A.
Protein change: p.Glu631Lys; replaces glutamic acid 631 with lysine.
Molecular consequence: missense variant.
Genome position (GRCh38, 1-based): chr5:131,672,553, C>T on the plus strand (G>A on the coding strand, the complement: FNIP1 is on the minus strand). VCF-style: chr5-131672553-C-T. GRCh37 (hg19) VCF-style: chr5-131008246-C-T.
Other names: c.1807G>A, p.Glu603Lys (NM_001008738.3); c.1756G>A, p.Glu586Lys (NM_001346114.2); short protein forms E603K, E631K, E586K.
Identifiers: ClinVar variation 1897364 (VCV001897364.5), dbSNP rs1767793784, ClinGen allele CA360792685.